The following is an entry in ClinVar:

ClinVar aggregate classification (germline): Conflicting classifications of pathogenicity. Review status: criteria provided, conflicting classifications (1 of 4 stars). 11 submissions from 11 submitters: Uncertain significance (9); Likely benign (2). Last evaluated 2026-02-11.

Conditions:
Hereditary cancer-predisposing syndrome. Also called: Neoplastic Syndromes, Hereditary; Tumor predisposition; Hereditary Cancer Syndrome; Hereditary neoplastic syndrome. Identifiers: Orphanet 140162, MedGen C0027672, MeSH D009386, MONDO:0015356.
Familial adenomatous polyposis 2. Also called: Adenomas, multiple colorectal; COLORECTAL ADENOMATOUS POLYPOSIS, AUTOSOMAL RECESSIVE; ADENOMAS, MULTIPLE COLORECTAL, AUTOSOMAL RECESSIVE; MYH-associated polyposis; MUTYH Polyposis; FAP type 2. Identifiers: Orphanet 220460, Orphanet 247798, MedGen C3272841, MONDO:0012041, OMIM 608456.

Allele frequency attached by ClinVar (database versions not stated): gnomAD 0.00001; ExAC 0.00002; TOPMed below 0.00001; gnomAD exomes 0.00002.
gnomAD v4.1: 19 of 1,614,080 alleles (0.0012%); highest among the groups gnomAD compares: Admixed American, 0.01%; no homozygotes.

Submissions (11):

St. Jude Molecular Pathology, St. Jude Children's Research Hospital
Classification: Uncertain significance for Familial adenomatous polyposis 2. Last evaluated: 2026-02-11. Review status: criteria provided, single submitter. Criteria: St. Jude Assertion Criteria 2020. Collection method: clinical testing. Allele origin: germline.
Comment: The MUTYH c.919C>T p.(Arg307Trp) missense change has a maximum subpopulation frequency of 0.01% in gnomAD v2.1.1. The in silico tool REVEL is inconclusive about a pathogenic or benign effect of this variant on protein function, and to our knowledge functional studies have not been performed. To our knowledge, this variant has not been reported in individuals with MUTYH-associated polyposis. In summary, the evidence currently available is insufficient to determine the clinical significance of this variant. It has therefore been classified as of uncertain significance.

Labcorp Genetics (formerly Invitae), Labcorp
Classification: Likely benign for Familial adenomatous polyposis 2. Last evaluated: 2026-01-26. Review status: criteria provided, single submitter. Criteria: Invitae Variant Classification Sherloc (09022015). Collection method: clinical testing. Allele origin: germline.

Ambry Genetics
Classification: Likely benign for Hereditary cancer-predisposing syndrome. Last evaluated: 2025-09-09. Review status: criteria provided, single submitter. Criteria: Ambry Variant Classification Scheme 2023. Collection method: clinical testing. Allele origin: germline.

Color Diagnostics, LLC DBA Color Health
Classification: Uncertain significance for Hereditary cancer-predisposing syndrome. Last evaluated: 2025-08-19. Review status: criteria provided, single submitter. Criteria: ACMG Guidelines, 2015. Collection method: clinical testing. Allele origin: germline.
Comment: This missense variant replaces arginine with tryptophan at codon 307 of the MUTYH protein. Computational prediction suggests that this variant may not impact protein structure and function. To our knowledge, functional studies have not been reported for this variant. This variant has been observed in individuals affected with breast cancer (PMID: 30564557, 34680878). This variant has been identified in 6/251306 chromosomes in the general population by the Genome Aggregation Database (gnomAD). The available evidence is insufficient to determine the role of this variant in disease conclusively. Therefore, this variant is classified as a Variant of Uncertain Significance.

Center for Genomic Medicine, Rigshospitalet, Copenhagen University Hospital
Classification: Uncertain significance. Last evaluated: 2025-03-04. Review status: criteria provided, single submitter. Criteria: ACMG Guidelines, 2015. Collection method: clinical testing. Allele origin: germline.

Quest Diagnostics Nichols Institute San Juan Capistrano
Classification: Uncertain significance. Last evaluated: 2025-01-22. Review status: criteria provided, single submitter. Criteria: Quest Diagnostics criteria. Collection method: clinical testing. Allele origin: unknown.
Comment: The MUTYH c.919C>T (p.Arg307Trp) variant has been reported in the published literature in individuals with a personal and/or family history of breast cancer (PMID: 35884425 (2022), 34680878 (2021)) and male breast cancer (PMID: 30564557 (2018)). The frequency of this variant in the general population (Genome Aggregation Database) is uninformative in the assessment of its pathogenicity. Analysis of this variant using bioinformatics tools for the prediction of the effect of amino acid changes on protein structure and function yielded predictions that this variant is benign. Based on the available information, we are unable to determine the clinical significance of this variant.

Women's Health and Genetics/Laboratory Corporation of America, LabCorp
Classification: Uncertain significance. Last evaluated: 2024-03-26. Review status: criteria provided, single submitter. Criteria: LabCorp Variant Classification Summary - May 2015. Collection method: clinical testing. Allele origin: germline.
Comment: Variant summary: MUTYH c.919C>T (p.Arg307Trp) results in a non-conservative amino acid change in the encoded protein sequence. Three of five in-silico tools predict a damaging effect of the variant on protein function. The variant allele was found at a frequency of 2.4e-05 in 251306 control chromosomes. The available data on variant occurrences in the general population are insufficient to allow any conclusion about variant significance. c.919C>T has been reported in the literature in individuals affected with Breast Cancer (Rizzolo_2018, Resch_2021). These reports do not provide unequivocal conclusions about association of the variant with MUTYH-Associated Polyposis. To our knowledge, no experimental evidence demonstrating an impact on protein function has been reported. The following publications have been ascertained in the context of this evaluation (PMID: 34680878, 30564557). ClinVar contains an entry for this variant (Variation ID: 186405). Based on the evidence outlined above, the variant was classified as uncertain significance.

Baylor Genetics
Classification: Uncertain significance for Familial adenomatous polyposis 2. Last evaluated: 2023-10-30. Review status: criteria provided, single submitter. Criteria: ACMG Guidelines, 2015. Collection method: clinical testing. Allele origin: unknown.

All of Us Research Program, National Institutes of Health
Classification: Uncertain significance for Familial adenomatous polyposis 2. Last evaluated: 2023-10-27. Review status: criteria provided, single submitter. Criteria: ACMG Guidelines, 2015. Collection method: clinical testing. Allele origin: germline. Inheritance: Autosomal recessive inheritance. Observed: 5 variant alleles, 5 heterozygotes.
Comment: This missense variant replaces arginine with tryptophan at codon 307 of the MUTYH protein. Computational prediction suggests that this variant may not impact protein structure and function (internally defined REVEL score threshold <= 0.5, PMID: 27666373). To our knowledge, functional studies have not been reported for this variant. This variant has been observed in individuals affected with breast cancer (PMID: 30564557, 34680878). This variant has been identified in 6/251306 chromosomes in the general population by the Genome Aggregation Database (gnomAD). The available evidence is insufficient to determine the role of this variant in disease conclusively. Therefore, this variant is classified as a Variant of Uncertain Significance.

This study involves interpretation of variants in research participants for the purpose of population health screening. Participant phenotype was not available at the time of variant classification. Additional details can be found in publication PMID: 35346344, PMCID: PMC8962531

GeneDx
Classification: Uncertain significance. Last evaluated: 2023-07-31. Review status: criteria provided, single submitter. Criteria: GeneDx Variant Classification Process June 2021. Collection method: clinical testing. Allele origin: germline. Affected: yes.
Comment: In silico analysis supports that this missense variant has a deleterious effect on protein structure/function; Identified in individuals with breast cancer (PMID: 30564557, 34680878); This variant is associated with the following publications: (PMID: 34680878, 30564557, 16879101, 20816984, 11092888, 11160897)

Department of Pathology and Laboratory Medicine, Sinai Health System
Classification: Uncertain significance for Familial adenomatous polyposis 2. Last evaluated: 2021-07-08. Review status: criteria provided, single submitter. Criteria: ACMG Guidelines, 2015. Collection method: clinical testing. Allele origin: germline. Affected: yes.

Literature cited by the submitters: PubMed 30564557 (cited by 6 submitters); PubMed 34680878 (cited by 5 submitters); PubMed 35884425 (cited by Quest Diagnostics Nichols Institute San Juan Capistrano).

NM_001048174.2(MUTYH):c.835C>T (p.Arg279Trp)

Gene: MUTYH (mutY DNA glycosylase; minus strand). Cytogenetic location: 1p34.1.
Variant type: single nucleotide variant.
Coding change: c.835C>T on transcript NM_001048174.2 (MANE Select); coding-DNA position 835, C replaced by T.
Protein change: p.Arg279Trp; replaces arginine 279 with tryptophan.
Molecular consequence: missense variant. On other transcripts: non-coding transcript variant (2).
Genome position (GRCh38, 1-based): chr1:45,332,180, G>A on the plus strand (C>T on the coding strand, the complement: MUTYH is on the minus strand). VCF-style: chr1-45332180-G-A. GRCh37 (hg19) VCF-style: chr1-45797852-G-A.
Other names: c.835C>T, p.Arg279Trp (NM_001048171.2, NM_001048173.2, NM_001293195.2); c.838C>T, p.Arg280Trp (NM_001048172.2); c.919C>T, p.Arg307Trp (NM_001128425.2); c.880C>T, p.Arg294Trp (NM_001293190.2); c.868C>T, p.Arg290Trp (NM_001293191.2); c.559C>T, p.Arg187Trp (NM_001293192.2, NM_001293196.2); c.490C>T, p.Arg164Trp (NM_001350650.2, NM_001350651.2); c.910C>T, p.Arg304Trp (NM_012222.3); short protein forms R307W, R164W, R279W, R290W, R187W, R280W, R294W, R304W.
Identifiers: ClinVar variation 186405 (VCV000186405.33), dbSNP rs759822330, ClinGen allele CA014609.
Genomic context (GRCh38, chr1:45,332,180, plus strand): 5'-AGTCACTCCTTAGGACTTCTCACTGCCCCTTCCCCAGTAGGCTTACTCTCTGGCGTGCCC[G>A]GCACAGGCTCTCCACAGGGCACTGGCTGCACAGTGGGCGCTGTGGGGTACACACTGTGGC-3'
Protein context (NP_001041639.1, residues 269-289): CSQCPVESLC[Arg279Trp]ARQRVEQEQL